The following is an entry in ClinVar:

NM_000784.4(CYP27A1):c.1170del (p.Lys391fs)

Gene: CYP27A1 (cytochrome P450 family 27 subfamily A member 1; plus strand). Cytogenetic location: 2q35.
Variant type: Deletion.
Coding change: c.1170del on transcript NM_000784.4 (MANE Select); coding-DNA position 1170, one base deleted (T; older notation c.1170delT).
Protein change: p.Lys391fs; shifts the reading frame from lysine 391.
Molecular consequence: frameshift variant.
Genome position (GRCh38, 1-based): chr2:218,814,173, T deleted; the last of 2 consecutive T bases (chr2:218,814,172-218,814,173); deleting either gives the same sequence. VCF-style (leftmost placement, unchanged base first): chr2-218814171-CT-C. GRCh37 (hg19) VCF-style: chr2-219678894-CT-C.
Other names: short protein forms K391fs.
Identifiers: ClinVar variation 2674721 (VCV002674721.4), dbSNP rs2470229179, ClinGen allele CA2586971564.

ClinVar aggregate classification (germline): Pathogenic/Likely pathogenic. Review status: criteria provided, multiple submitters, no conflicts (2 of 4 stars). 2 submissions from 2 submitters: Pathogenic (1); Likely pathogenic (1). Last evaluated 2023-08-16.

Conditions:
Cholestanol storage disease (CTX). Also called: CEREBRAL CHOLESTERINOSIS; Cerebrotendinous Xanthomatosis; CTX: Cerebrotendinous xanthomatosis. Identifiers: Orphanet 909, MedGen C0238052, MONDO:0008948, OMIM 213700.

Submissions (2):

Labcorp Genetics (formerly Invitae), Labcorp
Classification: Pathogenic for Cholestanol storage disease. Last evaluated: 2023-08-16. Review status: criteria provided, single submitter. Criteria: Invitae Variant Classification Sherloc (09022015). Collection method: clinical testing. Allele origin: germline.
Comment: For these reasons, this variant has been classified as Pathogenic. Algorithms developed to predict the effect of sequence changes on RNA splicing suggest that this variant may create or strengthen a splice site. This premature translational stop signal has been observed in individual(s) with cerebrotendinous xanthomatosis (PMID: 28229379). This variant is not present in population databases (gnomAD no frequency). This sequence change creates a premature translational stop signal (p.Lys391Argfs*17) in the CYP27A1 gene. It is expected to result in an absent or disrupted protein product. Loss-of-function variants in CYP27A1 are known to be pathogenic (PMID: 9392430, 10775536, 26937392).

Baylor Genetics
Classification: Likely pathogenic for Cholestanol storage disease. Last evaluated: 2023-03-08. Review status: criteria provided, single submitter. Criteria: ACMG Guidelines, 2015. Collection method: clinical testing. Allele origin: unknown.

Literature cited by the submitters: PubMed 28229379 (cited by Labcorp Genetics (formerly Invitae), Labcorp); PubMed 9392430 (cited by Labcorp Genetics (formerly Invitae), Labcorp); PubMed 10775536 (cited by Labcorp Genetics (formerly Invitae), Labcorp); PubMed 26937392 (cited by Labcorp Genetics (formerly Invitae), Labcorp).